The following is an entry in ClinVar:

NM_000071.3(CBS):c.955-5C>A

Gene: CBS (cystathionine beta-synthase; minus strand). Cytogenetic location: 21q22.3.
Variant type: single nucleotide variant.
Coding change: c.955-5C>A on transcript NM_000071.3 (MANE Select); 5 bases into the intron before coding-DNA position 955, C replaced by A.
Molecular consequence: intron variant.
Genome position (GRCh38, 1-based): chr21:43,062,400, G>T on the plus strand (C>A on the coding strand, the complement: CBS is on the minus strand). VCF-style: chr21-43062400-G-T. GRCh37 (hg19) VCF-style: chr21-44482510-G-T.
Other names: c.955-5C>A (NM_001320298.2, NM_001178009.3, NM_001178008.3); c.640-5C>A (NM_001321072.1).
Identifiers: ClinVar variation 1641092 (VCV001641092.11), dbSNP rs746366131, ClinGen allele CA321090617.

ClinVar aggregate classification (germline): Conflicting classifications of pathogenicity. Review status: criteria provided, conflicting classifications (1 of 4 stars). 2 submissions from 2 submitters: Uncertain significance (1); Likely benign (1). Last evaluated 2026-08-27.

Conditions:
HYPERHOMOCYSTEINEMIA, THROMBOTIC, CBS-RELATED. Identifiers: MedGen C3150344, OMIM 236200.
Familial thoracic aortic aneurysm and aortic dissection (TAAD). Also called: Thoracic aortic aneurysms and dissections. Identifiers: Orphanet 91387, MedGen C4707243, MONDO:0019625.

Allele frequency attached by ClinVar (database versions not stated): gnomAD exomes below 0.00001; ExAC 0.00001.

Submissions (2):

Ambry Genetics
Classification: Uncertain significance for Familial thoracic aortic aneurysm and aortic dissection. Last evaluated: 2026-08-27. Review status: criteria provided, single submitter. Criteria: Ambry Variant Classification Scheme 2023. Collection method: clinical testing. Allele origin: germline.
Comment: The c.955-5C>A intronic variant results from a C to A substitution 5 nucleotides upstream from coding exon 9 in the CBS gene. This nucleotide position is well conserved in available vertebrate species. In silico splice site analysis predicts that this alteration will not have any significant effect on splicing. Based on the available evidence, the clinical significance of this variant remains unclear.

Labcorp Genetics (formerly Invitae), Labcorp
Classification: Likely benign for HYPERHOMOCYSTEINEMIA, THROMBOTIC, CBS-RELATED. Last evaluated: 2025-11-24. Review status: criteria provided, single submitter. Criteria: Invitae Variant Classification Sherloc (09022015). Collection method: clinical testing. Allele origin: germline.